The following is an entry in ClinVar:

ClinVar aggregate classification (germline): Uncertain significance (1 of 4 stars; one submission).

Allele frequency attached by ClinVar (database versions not stated): ExAC 0.00001; TOPMed 0.00001.
gnomAD v4.1: 6 of 1,614,134 alleles (0.00037%); highest among the groups gnomAD compares: African/African-American, 0.0053%; no homozygotes.

Submission:

Labcorp Genetics (formerly Invitae), Labcorp
Classification: Uncertain significance. Last evaluated: 2023-07-17. Review status: criteria provided, single submitter. Criteria: Invitae Variant Classification Sherloc (09022015). Collection method: clinical testing. Allele origin: germline.
Comment: In summary, the available evidence is currently insufficient to determine the role of this variant in disease. Therefore, it has been classified as a Variant of Uncertain Significance. Advanced modeling of protein sequence and biophysical properties (such as structural, functional, and spatial information, amino acid conservation, physicochemical variation, residue mobility, and thermodynamic stability) performed at Invitae indicates that this missense variant is not expected to disrupt CSGALNACT1 protein function. This variant has not been reported in the literature in individuals affected with CSGALNACT1-related conditions. This variant is present in population databases (rs746934517, gnomAD 0.007%). This sequence change replaces glutamic acid, which is acidic and polar, with lysine, which is basic and polar, at codon 235 of the CSGALNACT1 protein (p.Glu235Lys).

NM_001354483.2(CSGALNACT1):c.703G>A (p.Glu235Lys)

Gene: CSGALNACT1 (chondroitin sulfate N-acetylgalactosaminyltransferase 1; minus strand). Cytogenetic location: 8p21.3.
Variant type: single nucleotide variant.
Coding change: c.703G>A on transcript NM_001354483.2 (MANE Select); coding-DNA position 703, G replaced by A.
Protein change: p.Glu235Lys; replaces glutamic acid 235 with lysine.
Molecular consequence: missense variant. On other transcripts: non-coding transcript variant (7).
Genome position (GRCh38, 1-based): chr8:19,458,574, C>T on the plus strand (G>A on the coding strand, the complement: CSGALNACT1 is on the minus strand). VCF-style: chr8-19458574-C-T. GRCh37 (hg19) VCF-style: chr8-19316085-C-T.
Other names: c.703G>A, p.Glu235Lys (NM_001130518.2, NM_001354475.2, NM_001354476.2 and 18 more transcripts); short protein forms E235K.
Identifiers: ClinVar variation 2887057 (VCV002887057.3), dbSNP rs746934517, ClinGen allele CA4654142.